The following is an entry in ClinVar:

NM_198075.4(LRRC56):c.796+4C>A

Gene: LRRC56 (leucine rich repeat containing 56; plus strand). Cytogenetic location: 11p15.5.
Variant type: single nucleotide variant.
Coding change: c.796+4C>A on transcript NM_198075.4 (MANE Select); 4 bases into the intron after coding-DNA position 796, C replaced by A.
Molecular consequence: intron variant.
Genome position (GRCh38, 1-based): chr11:551,306, C>A. VCF-style: chr11-551306-C-A. GRCh37 (hg19) VCF-style: chr11-551306-C-A.
Identifiers: ClinVar variation 2802311 (VCV002802311.3), dbSNP rs371434901, ClinGen allele CA597019650.
Genomic context (GRCh38, chr11:551,306, plus strand): 5'-AGGACTGGCTTGCGGTGAAGGAGGCCATCAAGAAGGGCAACGGCCTTCCCCCGCTGGGTA[C>A]GGCAGCTGCGCCCGGAGGACCCACTGCTGAGCCCCAGCTCCCCCCAGGAAGAGGCCCCCA-3'

ClinVar aggregate classification (germline): Uncertain significance (1 of 4 stars; one submission).

gnomAD v4.1: 2 of 1,504,100 alleles (0.00013%); highest among the groups gnomAD compares: Non-Finnish European, 0.00018%; no homozygotes.

Submission:

Labcorp Genetics (formerly Invitae), Labcorp
Classification: Uncertain significance. Last evaluated: 2023-10-03. Review status: criteria provided, single submitter. Criteria: Invitae Variant Classification Sherloc (09022015). Collection method: clinical testing. Allele origin: germline.
Comment: This sequence change falls in intron 9 of the LRRC56 gene. It does not directly change the encoded amino acid sequence of the LRRC56 protein. It affects a nucleotide within the consensus splice site. This variant is present in population databases (no rsID available, gnomAD 0.002%). This variant has not been reported in the literature in individuals affected with LRRC56-related conditions. Variants that disrupt the consensus splice site are a relatively common cause of aberrant splicing (PMID: 17576681, 9536098). Algorithms developed to predict the effect of sequence changes on RNA splicing suggest that this variant is not likely to affect RNA splicing. In summary, the available evidence is currently insufficient to determine the role of this variant in disease. Therefore, it has been classified as a Variant of Uncertain Significance.

Literature cited by the submitters: PubMed 17576681; PubMed 9536098.